The following is an entry in ClinVar:

ClinVar aggregate classification (germline): Uncertain significance (1 of 4 stars; one submission).

Submission:

Labcorp Genetics (formerly Invitae), Labcorp
Classification: Uncertain significance. Last evaluated: 2023-01-05. Review status: criteria provided, single submitter. Criteria: Invitae Variant Classification Sherloc (09022015). Collection method: clinical testing. Allele origin: germline.
Comment: In summary, the available evidence is currently insufficient to determine the role of this variant in disease. Therefore, it has been classified as a Variant of Uncertain Significance. Advanced modeling of protein sequence and biophysical properties (such as structural, functional, and spatial information, amino acid conservation, physicochemical variation, residue mobility, and thermodynamic stability) performed at Invitae indicates that this missense variant is expected to disrupt THBD protein function. This variant has not been reported in the literature in individuals affected with THBD-related conditions. This variant is not present in population databases (gnomAD no frequency). This sequence change replaces tryptophan, which is neutral and slightly polar, with cysteine, which is neutral and slightly polar, at codon 87 of the THBD protein (p.Trp87Cys).

NM_000361.3(THBD):c.261G>C (p.Trp87Cys)

Gene: THBD (thrombomodulin; minus strand). Cytogenetic location: 20p11.21.
Variant type: single nucleotide variant.
Coding change: c.261G>C on transcript NM_000361.3 (MANE Select); coding-DNA position 261, G replaced by C.
Protein change: p.Trp87Cys; replaces tryptophan 87 with cysteine.
Molecular consequence: missense variant.
Genome position (GRCh38, 1-based): chr20:23,049,244, C>G on the plus strand (G>C on the coding strand, the complement: THBD is on the minus strand). VCF-style: chr20-23049244-C-G. GRCh37 (hg19) VCF-style: chr20-23029881-C-G.
Other names: short protein forms W87C.
Identifiers: ClinVar variation 2803806 (VCV002803806.3), dbSNP rs2515205680, ClinGen allele CA408408058.